The following is an entry in ClinVar:

NM_001018115.3(FANCD2):c.1855del (p.Ser619fs)

Genes: FANCD2 (FA complementation group D2; plus strand), LOC107303338 (3p25 FANCD2 Alu-mediated recombination region; plus strand). Cytogenetic location: 3p25.3.
Variant type: Deletion.
Coding change: c.1855del on transcript NM_001018115.3 (MANE Select); coding-DNA position 1855, one base deleted (T; older notation c.1855delT).
Protein change: p.Ser619fs; shifts the reading frame from serine 619.
Molecular consequence: frameshift variant.
Genome position (GRCh38, 1-based): chr3:10,063,819, T deleted; the last of 2 consecutive T bases (chr3:10,063,818-10,063,819); deleting either gives the same sequence. VCF-style (leftmost placement, unchanged base first): chr3-10063817-AT-A. GRCh37 (hg19) VCF-style: chr3-10105501-AT-A.
Other names: c.1855del, p.Ser619fs (NM_001319984.2, NM_001374254.1, NM_033084.6); c.1744del, p.Ser582fs (NM_001374253.1); short protein forms S582fs, S619fs.
Identifiers: ClinVar variation 2631138 (VCV002631138.1), dbSNP rs2469965228, ClinGen allele CA2695197739.

ClinVar aggregate classification (germline): Likely pathogenic (1 of 4 stars; one submission).

Conditions:
FANCD2-related disorder. Also called: FANCD2-related condition.

Submission:

PreventionGenetics, part of Exact Sciences
Classification: Likely pathogenic for FANCD2-related condition. Last evaluated: 2023-09-13. Review status: criteria provided, single submitter. Criteria: ACMG Guidelines, 2015. Collection method: clinical testing. Allele origin: germline.
Comment: The FANCD2 c.1855delT variant is predicted to result in a frameshift and premature protein termination (p.Ser619Profs*20). To our knowledge, this variant has not been reported in the literature or in a large population database, indicating this variant is rare. Frameshift variants in FANCD2 are expected to be pathogenic. This variant is interpreted as likely pathogenic.